The following is an entry in ClinVar:

ClinVar aggregate classification (germline): Benign/Likely benign. Review status: criteria provided, multiple submitters, no conflicts (2 of 4 stars). 3 submissions from 2 submitters: Benign (2); Likely benign (1). Last evaluated 2023-04-01.

Conditions:
Angiokeratoma corporis diffusum with arteriovenous fistulas. Identifiers: MedGen C1838141, MONDO:0010885, OMIM 600419.
Cerebral cavernous malformation (CCM). Also called: Cerebral cavernous hemangioma (type); Cerebral cavernous malformations; CAVERNOUS ANGIOMA, FAMILIAL; CAVERNOUS ANGIOMATOUS MALFORMATIONS; CEREBRAL CAPILLARY MALFORMATIONS; Cavernous Hemangioma of Brain. Identifiers: Orphanet 221061, MedGen C2919945, MONDO:0000820, OMIM 116860, HP:0033522.

Allele frequency attached by ClinVar (database versions not stated): 1000 Genomes Project 30x 0.00422; TOPMed 0.00773; 1000 Genomes Project 0.00339; gnomAD 0.00775 and 0.00777; gnomAD exomes 0.01019.
gnomAD v4.1: 2,098 of 242,372 alleles (0.87%); highest among the groups gnomAD compares: Non-Finnish European, 1.2%; 9 homozygotes.

Submissions (3):

CeGaT Center for Human Genetics Tuebingen
Classification: Benign. Last evaluated: 2023-04-01. Review status: criteria provided, single submitter. Criteria: CeGaT Center For Human Genetics Tuebingen Variant Classification Criteria Version 2. Collection method: clinical testing. Allele origin: germline. Affected: yes. Observed: 4 variant alleles.
Comment: ANKIB1: BS1, BS2; KRIT1: BS1, BS2

Illumina Laboratory Services, Illumina
Classification: Likely benign for Cerebral cavernous malformation. Last evaluated: 2018-01-13. Review status: criteria provided, single submitter. Criteria: ICSL Variant Classification Criteria 13 December 2019. Collection method: clinical testing. Allele origin: germline.
Comment: This variant was observed in the ICSL laboratory as part of a predisposition screen in an ostensibly healthy population. It had not been previously curated by ICSL or reported in the Human Gene Mutation Database (HGMD: prior to June 1st, 2018), and was therefore a candidate for classification through an automated scoring system. Utilizing variant allele frequency, disease prevalence and penetrance estimates, and inheritance mode, an automated score was calculated to assess if this variant is too frequent to cause the disease. Based on the score and internal cut-off values, a variant classified as likely benign is not then subjected to further curation. The score for this variant resulted in a classification of likely benign for this disease.

Illumina Laboratory Services, Illumina
Classification: Benign for Angiokeratoma corporis diffusum with arteriovenous fistulas. Last evaluated: 2018-01-13. Review status: criteria provided, single submitter. Criteria: ICSL Variant Classification Criteria 13 December 2019. Collection method: clinical testing. Allele origin: germline.
Comment: This variant was observed in the ICSL laboratory as part of a predisposition screen in an ostensibly healthy population. It had not been previously curated by ICSL or reported in the Human Gene Mutation Database (HGMD: prior to June 1st, 2018), and was therefore a candidate for classification through an automated scoring system. Utilizing variant allele frequency, disease prevalence and penetrance estimates, and inheritance mode, an automated score was calculated to assess if this variant is too frequent to cause the disease. Based on the score and internal cut-off values, a variant classified as benign is not then subjected to further curation. The score for this variant resulted in a classification of benign for this disease.

NM_019004.2(ANKIB1):c.-605T>C

Genes: ANKIB1 (ankyrin repeat and IBR domain containing 1; plus strand), KRIT1 (KRIT1 ankyrin repeat containing; minus strand), LOC113748416 (Sharpr-MPRA regulatory region 5961; plus strand). Cytogenetic location: 7q21.2.
Variant type: single nucleotide variant.
Coding change: c.-605T>C on transcript NM_019004.2 (MANE Select); 605 bases upstream of the start codon, T replaced by C.
Molecular consequence: 5 prime UTR variant.
Genome position (GRCh38, 1-based): chr7:92,246,005, T>C. VCF-style: chr7-92246005-T-C. GRCh37 (hg19) VCF-style: chr7-91875319-T-C.
Other names: c.-488A>G (NM_001013406.2, NM_001350690.1); c.-456A>G (NM_001350669.1); c.-636A>G (NM_001350670.1); c.-1396A>G (NM_001350671.1); c.-102A>G (NM_001350672.1); c.-372A>G (NM_001350673.1); c.-601A>G (NM_001350674.1); c.-520A>G (NM_001350675.1); and 24 more.
Identifiers: ClinVar variation 360906 (VCV000360906.32), dbSNP rs143215997, ClinGen allele CA10629643.